The following is an entry in ClinVar:

ClinVar aggregate classification (germline): Conflicting classifications of pathogenicity. Review status: criteria provided, conflicting classifications (1 of 4 stars). 14 submissions from 14 submitters: Uncertain significance (11); Benign (1); Likely benign (1). 1 of the submissions does not count toward it. Last evaluated 2026-01-28.

Conditions:
Classic or attenuated familial adenomatous polyposis. Identifiers: MedGen CN372698, MONDO:0021057.
APC-related disorder. Also called: APC-related condition.
Hereditary cancer-predisposing syndrome. Also called: Neoplastic Syndromes, Hereditary; Tumor predisposition; Hereditary neoplastic syndrome; Hereditary Cancer Syndrome. Identifiers: Orphanet 140162, MedGen C0027672, MeSH D009386, MONDO:0015356.
Familial adenomatous polyposis 1 (FAP1). Also called: FAMILIAL ADENOMATOUS POLYPOSIS 1, ATTENUATED; POLYPOSIS, ADENOMATOUS INTESTINAL. Identifiers: MedGen C2713442, MONDO:0021056, OMIM 175100. Disease mechanism: loss of function.

Allele frequency attached by ClinVar (database versions not stated): ExAC 0.00001; gnomAD exomes 0.00001 and 0.00005; gnomAD 0.00005 and 0.00006; TOPMed 0.00006; ESP Exome Variant Server 0.00008.
gnomAD v4.1: 87 of 1,613,888 alleles (0.0054%); highest among the groups gnomAD compares: Non-Finnish European, 0.0071%; no homozygotes.

Submissions (14):

PreventionGenetics, part of Exact Sciences
Classification: Uncertain significance for APC-related condition. Last evaluated: 2026-01-28. Review status: criteria provided, single submitter. Criteria: ACMG Guidelines, 2015. Collection method: clinical testing. Allele origin: germline.
Comment: The APC c.7472T>C variant is predicted to result in the amino acid substitution p.Met2491Thr. This variant has been reported in a tumor sample of an individual with gynecological cancer, germline status unknown (Table S2, Ritterhouse et al. 2016. PubMed ID: 27150160). This variant is reported in 0.0050% of alleles in individuals of East Asian descent in gnomAD and is interpreted in ClinVar as a variant of uncertain significance or likely benign (Variation ID: 184756). At this time, the clinical significance of this variant is uncertain due to the absence of conclusive functional and genetic evidence.

Labcorp Genetics (formerly Invitae), Labcorp
Classification: Uncertain significance for Familial adenomatous polyposis 1. Last evaluated: 2026-01-13. Review status: criteria provided, single submitter. Criteria: Invitae Variant Classification Sherloc (09022015). Collection method: clinical testing. Allele origin: germline.
Comment: This sequence change replaces methionine, which is neutral and non-polar, with threonine, which is neutral and polar, at codon 2491 of the APC protein (p.Met2491Thr). This variant is present in population databases (rs369075403, gnomAD 0.005%). This variant has not been reported in the literature in individuals affected with APC-related conditions. ClinVar contains an entry for this variant (Variation ID: 184756). Invitae Evidence Modeling of protein sequence and biophysical properties (such as structural, functional, and spatial information, amino acid conservation, physicochemical variation, residue mobility, and thermodynamic stability) indicates that this missense variant is not expected to disrupt APC protein function with a negative predictive value of 95%. In summary, the available evidence is currently insufficient to determine the role of this variant in disease. Therefore, it has been classified as a Variant of Uncertain Significance.

Center for Genomic Medicine, Rigshospitalet, Copenhagen University Hospital
Classification: Uncertain significance. Last evaluated: 2025-12-29. Review status: criteria provided, single submitter. Criteria: ACMG Guidelines, 2015. Collection method: clinical testing. Allele origin: germline.

Color Diagnostics, LLC DBA Color Health
Classification: Likely benign for Hereditary cancer-predisposing syndrome. Last evaluated: 2025-08-14. Review status: criteria provided, single submitter. Criteria: ACMG Guidelines, 2015. Collection method: clinical testing. Allele origin: germline.

Ambry Genetics
Classification: Benign for Hereditary cancer-predisposing syndrome. Last evaluated: 2025-05-15. Review status: criteria provided, single submitter. Criteria: Ambry Variant Classification Scheme 2023. Collection method: clinical testing. Allele origin: germline.

All of Us Research Program, National Institutes of Health
Classification: Uncertain significance for Classic or attenuated familial adenomatous polyposis. Last evaluated: 2024-09-23. Review status: criteria provided, single submitter. Criteria: ACMG Guidelines, 2015. Collection method: clinical testing. Allele origin: germline. Inheritance: Autosomal dominant inheritance. Observed: 9 variant alleles, 9 heterozygotes.
Comment: This missense variant replaces methionine with threonine at codon 2491 of the APC protein. Computational prediction suggests that this variant may not impact protein structure and function (internally defined REVEL score threshold <= 0.5, PMID: 27666373). To our knowledge, functional studies have not been reported for this variant. This variant has been reported in an individual affected with gynecological cancer (PMID: 27150160) and in an individual with colorectal polyposis (Jones 2008, dissertation, Cardiff University). This variant has been identified in 4/282694 chromosomes in the general population by the Genome Aggregation Database (gnomAD). The available evidence is insufficient to determine the role of this variant in disease conclusively. Therefore, this variant is classified as a Variant of Uncertain Significance.

This study involves interpretation of variants in research participants for the purpose of population health screening. Participant phenotype was not available at the time of variant classification. Additional details can be found in publication PMID: 35346344, PMCID: PMC8962531

Quest Diagnostics Nichols Institute San Juan Capistrano
Classification: Uncertain significance. Last evaluated: 2024-09-11. Review status: criteria provided, single submitter. Criteria: Quest Diagnostics criteria. Collection method: clinical testing. Allele origin: unknown.
Comment: The APC c.7472T>C (p.Met2491Thr) variant has been reported in an individual with an unspecified gynecological cancer (PMID: 27150160 (2016)). The frequency of this variant in the general population, 0.000023 (3/129046 chromosomes), is uninformative in assessment of its pathogenicity. Analysis of this variant using bioinformatics tools for the prediction of the effect of amino acid changes on protein structure and function yielded conflicting predictions that this variant is benign or damaging. Based on the available information, we are unable to determine the clinical significance of this variant.

Baylor Genetics
Classification: Uncertain significance for Familial adenomatous polyposis 1. Last evaluated: 2024-02-02. Review status: criteria provided, single submitter. Criteria: ACMG Guidelines, 2015. Collection method: clinical testing. Allele origin: unknown.

Myriad Genetics, Inc.
Classification: Uncertain significance for Familial adenomatous polyposis 1. Last evaluated: 2023-02-16. Review status: criteria provided, single submitter. Criteria: Myriad Autosomal Dominant, Autosomal Recessive and X-Linked Classification Criteria (2023). Collection method: clinical testing. Allele origin: unknown.
Comment: This variant is classified as a variant of uncertain significance as there is insufficient evidence to determine its impact on protein function and/or cancer risk.

Department of Pathology and Laboratory Medicine, Sinai Health System
Classification: Uncertain significance for classic or attenuated familial adenomatous polyposis. Last evaluated: 2023-01-06. Review status: criteria provided, single submitter. Criteria: ACMG Guidelines, 2015. Collection method: clinical testing. Allele origin: germline. Affected: yes.

GeneDx
Classification: Uncertain significance. Last evaluated: 2022-12-01. Review status: criteria provided, single submitter. Criteria: GeneDx Variant Classification Process June 2021. Collection method: clinical testing. Allele origin: germline. Affected: yes.
Comment: Not observed at significant frequency in large population cohorts (gnomAD); In silico analysis supports that this missense variant does not alter protein structure/function; Has not been previously published as pathogenic or benign to our knowledge; This variant is associated with the following publications: (PMID: 27150160)

Sema4
Classification: Uncertain significance for Hereditary cancer-predisposing syndrome. Last evaluated: 2021-08-20. Review status: criteria provided, single submitter. Criteria: Sema4 Curation Guidelines. Collection method: curation. Allele origin: germline.
Comment: The APC c.7472T>C (p.M2491T) variant has not been reported in the peer-reviewed literature to our knowledge. It was observed in 4/282694 chromosomes in the large and broad cohorts of the Genome Aggregation Database (PMID: 32461654) and has been reported in ClinVar (Variation ID 184756). Functional studies have not been performed, and in silico predictions of the variant's effect on protein function are inconclusive. The evidence is insufficient to meet ACMG/AMP criteria for classifying the variant as benign or pathogenic. Thus, the clinical significance of this variant is currently uncertain.

Women's Health and Genetics/Laboratory Corporation of America, LabCorp
Classification: Uncertain significance. Last evaluated: 2016-03-25. Review status: criteria provided, single submitter. Criteria: LabCorp Variant Classification Summary - May 2015. Collection method: clinical testing. Allele origin: germline.
Comment: Variant summary: The APC c.7472T>C variant affects a conserved nucleotide, resulting in an amino acid change from Met to Thr. 2/4 in-silico tools predict this variant to be benign (SNPs&GO not captured due to low reliability index); however, it has not been evaluated for functional impact by in vivo/vitro studies. This variant was found in 1/121366 control chromosomes at a frequency of 0.0000082, which does not significantly exceed maximal expected frequency of a pathogenic APC allele (0.0000602). In addition, one clinical laboratory classified this variant as a VUS. The variant of interest has been reported in one colorectal polyposis patient to co-occur with an unspecified APC truncating variant (Jones_Thesis_2008), suggesting that this APC variant may be benign. However, in the absence of functional studies, and detailed clinical and genotype information, the variant was classified as a variant of uncertain significance (VUS) until additional information becomes available.

Counsyl
Classification: Uncertain significance for Familial adenomatous polyposis 1. Last evaluated: 2016-12-23. Review status: no assertion criteria provided. Collection method: clinical testing. Allele origin: unknown. Not counted in ClinVar's aggregate classification.

Literature cited by the submitters: PubMed 27150160 (cited by 3 submitters).

NM_000038.6(APC):c.7472T>C (p.Met2491Thr)

Gene: APC (APC regulator of Wnt signaling pathway; plus strand). Cytogenetic location: 5q22.2.
Variant type: single nucleotide variant.
Coding change: c.7472T>C on transcript NM_000038.6 (MANE Select); coding-DNA position 7472, T replaced by C.
Protein change: p.Met2491Thr; replaces methionine 2491 with threonine.
Molecular consequence: missense variant.
Genome position (GRCh38, 1-based): chr5:112,843,066, T>C. VCF-style: chr5-112843066-T-C. GRCh37 (hg19) VCF-style: chr5-112178763-T-C.
Other names: c.7472T>C, p.Met2491Thr (NM_001127510.3, NM_001354895.2); c.7418T>C, p.Met2473Thr (NM_001127511.3); c.7526T>C, p.Met2509Thr (NM_001354896.2); c.7502T>C, p.Met2501Thr (NM_001354897.2); c.7397T>C, p.Met2466Thr (NM_001354898.2); c.7388T>C, p.Met2463Thr (NM_001354899.2); c.7349T>C, p.Met2450Thr (NM_001354900.2); c.7295T>C, p.Met2432Thr (NM_001354901.2); and 5 more; short protein forms M2473T, M2491T, M2208T, M2365T, M2450T, M2390T, M2501T, M2509T.
Identifiers: ClinVar variation 184756 (VCV000184756.38), dbSNP rs369075403, ClinGen allele CA013705.
Genomic context (GRCh38, chr5:112,843,066, plus strand): 5'-CAGCTTCTCCCACTAGGTCCCAGGCACAAACTCCAGTTTTAAGTCCTTCCCTTCCTGATA[T>C]GTCTCTATCCACACATTCGTCTGTTCAGGCTGGTGGATGGCGAAAACTCCCACCTAATCT-3'
Protein context (NP_000029.2, residues 2481-2501): TPVLSPSLPD[Met2491Thr]SLSTHSSVQA